The following is an entry in ClinVar:

ClinVar aggregate classification (germline): Uncertain significance (1 of 4 stars; one submission).

Allele frequency attached by ClinVar (database versions not stated): TOPMed below 0.00001; gnomAD exomes 0.00001.
gnomAD v4.1: 10 of 1,210,697 alleles (0.00083%); highest among the groups gnomAD compares: South Asian, 0.007%; no homozygotes.

Submission:

CeGaT Center for Human Genetics Tuebingen
Classification: Uncertain significance. Last evaluated: 2023-09-01. Review status: criteria provided, single submitter. Criteria: CeGaT Center For Human Genetics Tuebingen Variant Classification Criteria Version 2. Collection method: clinical testing. Allele origin: germline. Affected: yes. Observed: 1 variant allele.
Comment: CCDC22: PM2

NM_014008.5(CCDC22):c.320G>A (p.Arg107His)

Gene: CCDC22 (CCC complex scaffolding subunit CCDC22; plus strand). Cytogenetic location: Xp11.23.
Variant type: single nucleotide variant.
Coding change: c.320G>A on transcript NM_014008.5 (MANE Select); coding-DNA position 320, G replaced by A.
Protein change: p.Arg107His; replaces arginine 107 with histidine.
Molecular consequence: missense variant.
Genome position (GRCh38, 1-based): chrX:49,242,107, G>A. VCF-style: chrX-49242107-G-A. GRCh37 (hg19) VCF-style: chrX-49098573-G-A.
Other names: short protein forms R107H.
Identifiers: ClinVar variation 2660523 (VCV002660523.24), dbSNP rs1557113434, ClinGen allele CA412933985.